The following is an entry in ClinVar:

ClinVar aggregate classification (germline): Benign/Likely benign. Review status: criteria provided, multiple submitters, no conflicts (2 of 4 stars). 27 submissions from 20 submitters: Benign (18); Likely benign (5). 4 of the submissions do not count toward it. Last evaluated 2026-02-03.

Conditions:
Dilated cardiomyopathy 1G (CMD1G). Identifiers: Orphanet 154, MedGen C1858763, MONDO:0011400, OMIM 604145.
Autosomal recessive limb-girdle muscular dystrophy type 2J (LGMDR10). Also called: MUSCULAR DYSTROPHY, LIMB-GIRDLE, AUTOSOMAL RECESSIVE 10; Limb-girdle muscular dystrophy, type 2J. Identifiers: Orphanet 140922, MedGen C1837342, MONDO:0012127, OMIM 608807.
Cardiovascular phenotype. Identifiers: MedGen CN230736.
Cardiomyopathy (CMYO). Also called: Cardiomyopathies. Identifiers: Orphanet 167848, MedGen C0878544, MONDO:0004994, HP:0001638. Inheritance: Various modes of inheritance.
Early-onset myopathy with fatal cardiomyopathy (CMYO5). Also called: CONGENITAL MYOPATHY 5 WITH CARDIOMYOPATHY; Salih Myopathy. Identifiers: Orphanet 289377, MedGen C2673677, MONDO:0012714, OMIM 611705. Disease mechanism: loss of function.
Myopathy, myofibrillar, 9, with early respiratory failure (MFM9). Also called: Myopathy, distal, with early respiratory failure, autosomal dominant; Hereditary myopathy with early respiratory failure; MYOPATHY, PROXIMAL, WITH EARLY RESPIRATORY MUSCLE INVOLVEMENT; EDSTROM MYOPATHY. Identifiers: Orphanet 178464, Orphanet 34521, MedGen C1863599, MONDO:0011362, OMIM 603689.
Tibial muscular dystrophy (TMD). Also called: Udd Distal Myopathy – Tibial Muscular Dystrophy; Tibial muscular dystrophy, tardive; UDD MYOPATHY. Identifiers: Orphanet 609, MedGen C1838244, MONDO:0010870, OMIM 600334.

Allele frequency attached by ClinVar (database versions not stated): ESP Exome Variant Server 0.00829; ExAC 0.00228; 1000 Genomes Project 30x 0.00656; TOPMed 0.00907; 1000 Genomes Project 0.00639.
gnomAD v4.1: 2,336 of 1,613,610 alleles (0.14%); highest among the groups gnomAD compares: African/African-American, 2.7%; 30 homozygotes.

Submissions (27):

Labcorp Genetics (formerly Invitae), Labcorp
Classification: Benign for Dilated cardiomyopathy 1G; Autosomal recessive limb-girdle muscular dystrophy type 2J. Last evaluated: 2026-02-03. Review status: criteria provided, single submitter. Criteria: Invitae Variant Classification Sherloc (09022015). Collection method: clinical testing. Allele origin: germline.

Molecular Diagnostic Laboratory for Inherited Cardiovascular Disease, Montreal Heart Institute
Classification: Benign. Last evaluated: 2025-04-09. Review status: criteria provided, single submitter. Criteria: ACMG Guidelines, 2015. Collection method: clinical testing. Allele origin: germline. Affected: no.

ARUP Laboratories, Molecular Genetics and Genomics, ARUP Laboratories
Classification: Benign. Last evaluated: 2025-03-25. Review status: criteria provided, single submitter. Criteria: ARUP Molecular Germline Variant Investigation Process 2024. Collection method: clinical testing. Allele origin: germline.

Blueprint Genetics
Classification: Likely benign. Last evaluated: 2024-11-25. Review status: criteria provided, single submitter. Criteria: ACMG Guidelines, 2015. Collection method: clinical testing. Allele origin: germline.

Genome-Nilou Lab
Classification: Benign for Autosomal recessive limb-girdle muscular dystrophy type 2J. Last evaluated: 2021-09-10. Review status: criteria provided, single submitter. Criteria: ACMG Guidelines, 2015. Collection method: clinical testing. Allele origin: germline. Affected: no.

Genome-Nilou Lab
Classification: Benign for Myopathy, myofibrillar, 9, with early respiratory failure. Last evaluated: 2021-09-10. Review status: criteria provided, single submitter. Criteria: ACMG Guidelines, 2015. Collection method: clinical testing. Allele origin: germline. Affected: no.

Genome-Nilou Lab
Classification: Benign for Early-onset myopathy with fatal cardiomyopathy. Last evaluated: 2021-09-10. Review status: criteria provided, single submitter. Criteria: ACMG Guidelines, 2015. Collection method: clinical testing. Allele origin: germline. Affected: no.

Genome-Nilou Lab
Classification: Benign for Tibial muscular dystrophy. Last evaluated: 2021-09-10. Review status: criteria provided, single submitter. Criteria: ACMG Guidelines, 2015. Collection method: clinical testing. Allele origin: germline. Affected: no.

Women's Health and Genetics/Laboratory Corporation of America, LabCorp
Classification: Benign. Last evaluated: 2021-02-28. Review status: criteria provided, single submitter. Criteria: LabCorp Variant Classification Summary - May 2015. Collection method: clinical testing. Allele origin: germline.

Athena Diagnostics
Classification: Benign. Last evaluated: 2020-11-09. Review status: criteria provided, single submitter. Criteria: Athena Diagnostics criteria. Collection method: clinical testing. Allele origin: unknown.

Mayo Clinic Laboratories, Mayo Clinic
Classification: Benign. Last evaluated: 2018-10-12. Review status: criteria provided, single submitter. Criteria: ACMG Guidelines, 2015. Collection method: clinical testing. Allele origin: germline. Observed: 19 variant alleles.

Illumina Laboratory Services, Illumina
Classification: Benign for Tibial muscular dystrophy. Last evaluated: 2018-01-12. Review status: criteria provided, single submitter. Criteria: ICSL Variant Classification Criteria 13 December 2019. Collection method: clinical testing. Allele origin: germline.
Comment: This variant was observed in the ICSL laboratory as part of a predisposition screen in an ostensibly healthy population. It had not been previously curated by ICSL or reported in the Human Gene Mutation Database (HGMD: prior to June 1st, 2018), and was therefore a candidate for classification through an automated scoring system. Utilizing variant allele frequency, disease prevalence and penetrance estimates, and inheritance mode, an automated score was calculated to assess if this variant is too frequent to cause the disease. Based on the score and internal cut-off values, a variant classified as benign is not then subjected to further curation. The score for this variant resulted in a classification of benign for this disease.

Illumina Laboratory Services, Illumina
Classification: Benign for Myopathy, myofibrillar, 9, with early respiratory failure. Last evaluated: 2018-01-12. Review status: criteria provided, single submitter. Criteria: ICSL Variant Classification Criteria 13 December 2019. Collection method: clinical testing. Allele origin: germline.
Comment: the same text as in the submission from Illumina Laboratory Services, Illumina above.

Illumina Laboratory Services, Illumina
Classification: Likely benign for Dilated cardiomyopathy 1G. Last evaluated: 2018-01-12. Review status: criteria provided, single submitter. Criteria: ICSL Variant Classification Criteria 13 December 2019. Collection method: clinical testing. Allele origin: germline.
Comment: This variant was observed in the ICSL laboratory as part of a predisposition screen in an ostensibly healthy population. It had not been previously curated by ICSL or reported in the Human Gene Mutation Database (HGMD: prior to June 1st, 2018), and was therefore a candidate for classification through an automated scoring system. Utilizing variant allele frequency, disease prevalence and penetrance estimates, and inheritance mode, an automated score was calculated to assess if this variant is too frequent to cause the disease. Based on the score and internal cut-off values, a variant classified as likely benign is not then subjected to further curation. The score for this variant resulted in a classification of likely benign for this disease.

Illumina Laboratory Services, Illumina
Classification: Likely benign for Early-onset myopathy with fatal cardiomyopathy. Last evaluated: 2018-01-12. Review status: criteria provided, single submitter. Criteria: ICSL Variant Classification Criteria 13 December 2019. Collection method: clinical testing. Allele origin: germline.
Comment: the same text as in the submission from Illumina Laboratory Services, Illumina above.

Illumina Laboratory Services, Illumina
Classification: Likely benign for Autosomal recessive limb-girdle muscular dystrophy type 2J. Last evaluated: 2018-01-12. Review status: criteria provided, single submitter. Criteria: ICSL Variant Classification Criteria 13 December 2019. Collection method: clinical testing. Allele origin: germline.
Comment: the same text as in the submission from Illumina Laboratory Services, Illumina above.

CHEO Genetics Diagnostic Laboratory, Children's Hospital of Eastern Ontario
Classification: Benign for Cardiomyopathy. Last evaluated: 2016-01-15. Review status: criteria provided, single submitter. Criteria: ACMG Guidelines, 2015. Collection method: clinical testing. Allele origin: germline. Study: Canadian Open Genetics Repository.

Ambry Genetics
Classification: Benign for Cardiovascular phenotype. Last evaluated: 2013-09-18. Review status: criteria provided, single submitter. Criteria: Ambry Autosomal Dominant and X-Linked criteria (10/2015). Collection method: clinical testing. Allele origin: germline. Observed: 1 variant allele.

Eurofins Ntd Llc (ga)
Classification: Benign. Last evaluated: 2013-07-26. Review status: criteria provided, single submitter. Criteria: EGL Classification Definitions 2015. Collection method: clinical testing. Allele origin: germline. Observed: 1 variant allele, 1 heterozygote.

GeneDx
Classification: Benign. Last evaluated: 2013-04-17. Review status: criteria provided, single submitter. Criteria: GeneDx Variant Classification (06012015). Collection method: clinical testing. Allele origin: germline. Affected: yes.
Comment: This variant is considered likely benign or benign based on one or more of the following criteria: it is a conservative change, it occurs at a poorly conserved position in the protein, it is predicted to be benign by multiple in silico algorithms, and/or has population frequency not consistent with disease.

Laboratory for Molecular Medicine, Mass General Brigham Personalized Medicine
Classification: Benign. Last evaluated: 2012-05-10. Review status: criteria provided, single submitter. Criteria: LMM Criteria. Collection method: clinical testing. Allele origin: germline. Observed: 14 variant alleles.
Comment: Pro21443Pro in exon 275 of TTN: This variant is not expected to have clinical si gnificance because it has been identified in 2.4% (78/3278) of African American chromosomes from a broad population by the NHLBI Exome Sequencing Project (dbSNP rs72646894)

Breakthrough Genomics
Classification: Likely benign. Review status: criteria provided, single submitter. Criteria: ACMG Guidelines, 2015. Collection method: not provided. Allele origin: germline. Inheritance: Autosomal recessive inheritance. Affected: yes.

PreventionGenetics, part of Exact Sciences
Classification: Benign. Review status: criteria provided, single submitter. Criteria: ACMG Guidelines, 2015. Collection method: clinical testing. Allele origin: germline.

Clinical Genetics DNA and cytogenetics Diagnostics Lab, Erasmus MC, Erasmus Medical Center
Classification: Benign. Review status: no assertion criteria provided. Collection method: clinical testing. Allele origin: germline. Affected: yes. Study: VKGL Data-share Consensus. Not counted in ClinVar's aggregate classification.

Clinical Genetics, Academic Medical Center
Classification: Benign. Review status: no assertion criteria provided. Collection method: clinical testing. Allele origin: germline. Affected: yes. Study: VKGL Data-share Consensus. Not counted in ClinVar's aggregate classification.

Diagnostic Laboratory, Department of Genetics, University Medical Center Groningen
Classification: Likely benign. Review status: no assertion criteria provided. Collection method: clinical testing. Allele origin: germline. Affected: yes. Study: VKGL Data-share Consensus. Not counted in ClinVar's aggregate classification.

Joint Genome Diagnostic Labs from Nijmegen and Maastricht, Radboudumc and MUMC+
Classification: Benign. Review status: no assertion criteria provided. Collection method: clinical testing. Allele origin: germline. Affected: yes. Study: VKGL Data-share Consensus. Not counted in ClinVar's aggregate classification.

NM_001267550.2(TTN):c.72033A>G (p.Pro24011=)

Genes: TTN (titin; minus strand), TTN-AS1 (TTN antisense RNA 1; plus strand). Cytogenetic location: 2q31.2.
Variant type: single nucleotide variant.
Coding change: c.72033A>G on transcript NM_001267550.2 (MANE Select); coding-DNA position 72033, A replaced by G.
Protein change: p.Pro24011=; no amino-acid change (proline 24011 retained).
Molecular consequence: synonymous variant.
Genome position (GRCh38, 1-based): chr2:178,574,099, T>C on the plus strand (A>G on the coding strand, the complement: TTN is on the minus strand). VCF-style: chr2-178574099-T-C. GRCh37 (hg19) VCF-style: chr2-179438826-T-C.
Other names: p.P22370P:CCA>CCG; p.Pro21443=; c.67110A>G, p.Pro22370= (NM_001256850.1); c.44838A>G, p.Pro14946= (NM_003319.4); c.64329A>G, p.Pro21443= (NM_133378.4); c.45213A>G, p.Pro15071= (NM_133432.3); c.45414A>G, p.Pro15138= (NM_133437.4).
Identifiers: ClinVar variation 47306 (VCV000047306.51), dbSNP rs72646894, ClinGen allele CA283724.
Genomic context (GRCh38, chr2:178,574,099, plus strand): 5'-CACCTTTATCTTTGGTGCCTCAACATCATCCCTGCAAGTGATAGCATCAGATGGCTCAGA[T>C]GGTGGACTGATGGCACCTGCAGCATTTTTGGCGATCACACGGAATTCATATGCAGCATCT-3'
Protein context (NP_001254479.2, residues 24001-24021): AKNAAGAISP[Pro24011=]SEPSDAITCR